The following is an entry in ClinVar:

ClinVar aggregate classification (germline): Likely benign (1 of 4 stars; one submission).

Allele frequency attached by ClinVar (database versions not stated): gnomAD 0.48972 and 0.48347; 1000 Genomes Project 30x 0.54154; TOPMed 0.49133; 1000 Genomes Project 0.54673.

Submission:

GeneDx
Classification: Likely benign. Last evaluated: 2018-03-09. Review status: criteria provided, single submitter. Criteria: GeneDx Variant Classification (06012015). Collection method: clinical testing. Allele origin: germline. Affected: yes.
Comment: This variant is considered likely benign or benign based on one or more of the following criteria: it is a conservative change, it occurs at a poorly conserved position in the protein, it is predicted to be benign by multiple in silico algorithms, and/or has population frequency not consistent with disease.

NM_000524.3(HTR1A):c.-1019G>C

Gene: HTR1A (5-hydroxytryptamine receptor 1A; minus strand). Cytogenetic location: 5q12.3.
Variant type: single nucleotide variant.
Coding change: c.-1019G>C on transcript NM_000524.3; 1019 bases upstream of the start codon, G replaced by C.
Genome position (GRCh38, 1-based): chr5:63,962,738, C>G on the plus strand (G>C on the coding strand, the complement: HTR1A is on the minus strand). VCF-style: chr5-63962738-C-G. GRCh37 (hg19) VCF-style: chr5-63258565-C-G.
Identifiers: ClinVar variation 375667 (VCV000375667.4), dbSNP rs6295, ClinGen allele CA12002015.